The following is an entry in ClinVar:

ClinVar aggregate classification (germline): Uncertain significance (1 of 4 stars; one submission).

Allele frequency attached by ClinVar (database versions not stated): ExAC 0.00001.

Submission:

Labcorp Genetics (formerly Invitae), Labcorp
Classification: Uncertain significance. Last evaluated: 2020-02-12. Review status: criteria provided, single submitter. Criteria: Invitae Variant Classification Sherloc (09022015). Collection method: clinical testing. Allele origin: germline.
Comment: In summary, the available evidence is currently insufficient to determine the role of this variant in disease. Therefore, it has been classified as a Variant of Uncertain Significance. Algorithms developed to predict the effect of missense changes on protein structure and function output the following: SIFT: "Tolerated"; PolyPhen-2: "Benign"; Align-GVGD: "Class C0". The alanine amino acid residue is found in multiple mammalian species, suggesting that this missense change does not adversely affect protein function. These predictions have not been confirmed by published functional studies and their clinical significance is uncertain. This variant has not been reported in the literature in individuals with DMP1-related conditions. This variant is present in population databases (rs754199666, ExAC 0.009%). This sequence change replaces glycine with alanine at codon 77 of the DMP1 protein (p.Gly77Ala). The glycine residue is moderately conserved and there is a small physicochemical difference between glycine and alanine.

NM_004407.4(DMP1):c.230G>C (p.Gly77Ala)

Genes: DMP1 (dentin matrix acidic phosphoprotein 1; plus strand), DMP1-AS1 (DMP1 and DSPP antisense RNA 1; minus strand). Cytogenetic location: 4q22.1.
Variant type: single nucleotide variant.
Coding change: c.230G>C on transcript NM_004407.4 (MANE Select); coding-DNA position 230, G replaced by C.
Protein change: p.Gly77Ala; replaces glycine 77 with alanine.
Molecular consequence: missense variant.
Genome position (GRCh38, 1-based): chr4:87,662,008, G>C. VCF-style: chr4-87662008-G-C. GRCh37 (hg19) VCF-style: chr4-88583160-G-C.
Other names: c.182G>C, p.Gly61Ala (NM_001079911.3); short protein forms G77A, G61A.
Identifiers: ClinVar variation 1037270 (VCV001037270.9), dbSNP rs754199666, ClinGen allele CA3001994.